The following is an entry in ClinVar:

ClinVar aggregate classification (germline): Benign (3 of 4 stars; one submission).

Conditions:
Breast-ovarian cancer, familial, susceptibility to, 2 (BROVCA2). Also called: BRCA2 Hereditary Breast and Ovarian Cancer. Identifiers: Orphanet 145, MedGen C2675520, MONDO:0012933, OMIM 612555. Disease mechanism: loss of function.

Allele frequency attached by ClinVar (database versions not stated): 1000 Genomes Project 30x 0.00234; 1000 Genomes Project 0.00260.
gnomAD v4.1: 45 of 152,310 alleles (0.03%); highest among the groups gnomAD compares: South Asian, 0.89%; no homozygotes.

Submission:

Evidence-based Network for the Interpretation of Germline Mutant Alleles (ENIGMA)
Classification: Benign for Breast-ovarian cancer, familial, susceptibility to, 2. Last evaluated: 2016-09-28. Review status: reviewed by expert panel. Criteria: ENIGMA BRCA1/2 Classification Criteria (2015). Collection method: curation. Allele origin: germline.
Comment: Class 1 not pathogenic based on frequency >1% in an outbred sampleset. Frequency 0.0133 (South Asian), derived from 1000 genomes (2013-05-02).

NM_000059.4(BRCA2):c.6841+1334T>A

Gene: BRCA2 (BRCA2 DNA repair associated; plus strand). Cytogenetic location: 13q13.1.
Variant type: single nucleotide variant.
Coding change: c.6841+1334T>A on transcript NM_000059.4 (MANE Select); 1334 bases into the intron after coding-DNA position 6841, T replaced by A.
Molecular consequence: intron variant.
Genome position (GRCh38, 1-based): chr13:32,342,530, T>A. VCF-style: chr13-32342530-T-A. GRCh37 (hg19) VCF-style: chr13-32916667-T-A.
Identifiers: ClinVar variation 264900 (VCV000264900.1), dbSNP rs532022945, ClinGen allele CA10588094.